The following is an entry in ClinVar:

ClinVar aggregate classification (germline): Benign. Review status: criteria provided, single submitter (1 of 4 stars). 2 submissions from 2 submitters: Benign (1). 1 of the submissions does not count toward it. Last evaluated 2025-12-04.

Conditions:
PLCE1-related disorder. Also called: PLCE1-related condition.

Allele frequency attached by ClinVar (database versions not stated): gnomAD 0.00002; TOPMed 0.00009; ExAC 0.00014; gnomAD exomes 0.00018.
gnomAD v4.1: 54 of 1,613,732 alleles (0.0033%); highest among the groups gnomAD compares: Admixed American, 0.087%; 1 homozygote.

Submissions (2):

Labcorp Genetics (formerly Invitae), Labcorp
Classification: Benign. Last evaluated: 2025-12-04. Review status: criteria provided, single submitter. Criteria: Invitae Variant Classification Sherloc (09022015). Collection method: clinical testing. Allele origin: germline.

PreventionGenetics, part of Exact Sciences
Classification: Likely benign for PLCE1-related condition. Last evaluated: 2022-03-31. Review status: no assertion criteria provided. Collection method: clinical testing. Allele origin: germline. Not counted in ClinVar's aggregate classification.
Comment: This variant is classified as likely benign based on ACMG/AMP sequence variant interpretation guidelines (Richards et al. 2015 PMID: 25741868, with internal and published modifications).

NM_016341.4(PLCE1):c.621C>T (p.Asn207=)

Gene: PLCE1 (phospholipase C epsilon 1; plus strand). Cytogenetic location: 10q23.33.
Variant type: single nucleotide variant.
Coding change: c.621C>T on transcript NM_016341.4 (MANE Select); coding-DNA position 621, C replaced by T.
Protein change: p.Asn207=; no amino-acid change (asparagine 207 retained).
Molecular consequence: synonymous variant.
Genome position (GRCh38, 1-based): chr10:94,031,667, C>T. VCF-style: chr10-94031667-C-T. GRCh37 (hg19) VCF-style: chr10-95791424-C-T.
Other names: c.621C>T, p.Asn207= (NM_001288989.2); c.621C>T (NM_016341.3).
Identifiers: ClinVar variation 1664946 (VCV001664946.10), dbSNP rs780591486, ClinGen allele CA5612151.